The following is an entry in ClinVar:

ClinVar aggregate classification (germline): Uncertain significance. Review status: criteria provided, multiple submitters, no conflicts (2 of 4 stars). 4 submissions from 4 submitters: Uncertain significance (4). Last evaluated 2026-04-09.

Conditions:
Inborn genetic diseases. Identifiers: MedGen C0950123, MeSH D030342.
PEX10-related disorder. Also called: PEX10-related condition.
Peroxisome biogenesis disorder, complementation group 7 (CG7). Also called: Peroxisome biogenesis disorder, complementation group B. Identifiers: MedGen C1864399.

Allele frequency attached by ClinVar (database versions not stated): gnomAD exomes 0.00002 and 0.00003; ExAC 0.00004; gnomAD 0.00011; TOPMed 0.00016; 1000 Genomes Project 0.00020; ESP Exome Variant Server 0.00023; 1000 Genomes Project 30x 0.00031.
gnomAD v4.1: 42 of 1,612,992 alleles (0.0026%); highest among the groups gnomAD compares: African/African-American, 0.051%; no homozygotes.

Submissions (4):

PreventionGenetics, part of Exact Sciences
Classification: Uncertain significance for PEX10-related condition. Last evaluated: 2026-04-09. Review status: criteria provided, single submitter. Criteria: ACMG Guidelines, 2015. Collection method: clinical testing. Allele origin: germline.
Comment: The PEX10 c.583C>T variant is predicted to result in the amino acid substitution p.Leu195Phe. To our knowledge, this variant has not been reported in the literature. This variant is reported in 0.049% of alleles in individuals of African descent in gnomAD. At this time, the clinical significance of this variant is uncertain due to the absence of conclusive functional and genetic evidence.

Ambry Genetics
Classification: Uncertain significance for Inborn genetic diseases. Last evaluated: 2024-03-08. Review status: criteria provided, single submitter. Criteria: Ambry Variant Classification Scheme 2023. Collection method: clinical testing. Allele origin: germline.

Labcorp Genetics (formerly Invitae), Labcorp
Classification: Uncertain significance for Peroxisome biogenesis disorder, complementation group 7. Last evaluated: 2022-10-04. Review status: criteria provided, single submitter. Criteria: Invitae Variant Classification Sherloc (09022015). Collection method: clinical testing. Allele origin: germline.
Comment: This sequence change replaces leucine, which is neutral and non-polar, with phenylalanine, which is neutral and non-polar, at codon 195 of the PEX10 protein (p.Leu195Phe). This variant is present in population databases (rs116354317, gnomAD 0.05%). This variant has not been reported in the literature in individuals affected with PEX10-related conditions. ClinVar contains an entry for this variant (Variation ID: 596280). Algorithms developed to predict the effect of missense changes on protein structure and function output the following: SIFT: "Tolerated"; PolyPhen-2: "Benign"; Align-GVGD: "Class C0". The phenylalanine amino acid residue is found in multiple mammalian species, which suggests that this missense change does not adversely affect protein function. In summary, the available evidence is currently insufficient to determine the role of this variant in disease. Therefore, it has been classified as a Variant of Uncertain Significance.

Eurofins Ntd Llc (ga)
Classification: Uncertain significance. Last evaluated: 2018-02-23. Review status: criteria provided, single submitter. Criteria: EGL ClinVar v180209 classification definitions. Collection method: clinical testing. Allele origin: germline. Observed: 1 variant allele, 1 heterozygote.

NM_002617.4(PEX10):c.583C>T (p.Leu195Phe)

Gene: PEX10 (peroxisomal biogenesis factor 10; minus strand). Cytogenetic location: 1p36.32.
Variant type: single nucleotide variant.
Coding change: c.583C>T on transcript NM_002617.4 (MANE Select); coding-DNA position 583, C replaced by T.
Protein change: p.Leu195Phe; replaces leucine 195 with phenylalanine.
Molecular consequence: missense variant. On other transcripts: non-coding transcript variant (1).
Genome position (GRCh38, 1-based): chr1:2,408,469, G>A on the plus strand (C>T on the coding strand, the complement: PEX10 is on the minus strand). VCF-style: chr1-2408469-G-A. GRCh37 (hg19) VCF-style: chr1-2339908-G-A.
Other names: c.583C>T, p.Leu195Phe (NM_001374425.1, NM_153818.2); c.151C>T, p.Leu51Phe (NM_001374426.1, NM_001374427.1); c.583C>T (NM_153818.1); short protein forms L195F, L51F.
Identifiers: ClinVar variation 596280 (VCV000596280.8), dbSNP rs116354317, ClinGen allele CA538132.
Genomic context (GRCh38, chr1:2,408,469, plus strand): 5'-AAGGACGGCCTAAGCAGCTGTGCCCTCAGCGCCTGCTACTTACGTACGTGATCCCCGTGA[G>A]CCTCTTGGCCAGGTGGTAGAAGACACCGTGGATGTAAAACCAGGCAACATGTAGCCGCTG-3'
Protein context (NP_002608.1, residues 185-205): HGVFYHLAKR[Leu195Phe]TGITYLRVRS